The following is an entry in ClinVar:

ClinVar aggregate classification (germline): Uncertain significance (1 of 4 stars; one submission).

Conditions:
Inborn genetic diseases. Identifiers: MedGen C0950123, MeSH D030342.

Submission:

Ambry Genetics
Classification: Uncertain significance for Inborn genetic diseases. Last evaluated: 2025-03-08. Review status: criteria provided, single submitter. Criteria: Ambry Variant Classification Scheme 2023. Collection method: clinical testing. Allele origin: germline.
Comment: The p.P649S variant (also known as c.1945C>T), located in coding exon 22 of the RTEL1 gene, results from a C to T substitution at nucleotide position 1945. The proline at codon 649 is replaced by serine, an amino acid with similar properties. This amino acid position is conserved. In addition, this alteration is predicted to be deleterious by in silico analysis. Based on the available evidence, the clinical significance of this variant remains unclear.

NM_001283009.2(RTEL1):c.1945C>T (p.Pro649Ser)

Genes: RTEL1 (regulator of telomere elongation helicase 1; plus strand), RTEL1-TNFRSF6B (RTEL1-TNFRSF6B readthrough (NMD candidate); plus strand). Cytogenetic location: 20q13.33.
Variant type: single nucleotide variant.
Coding change: c.1945C>T on transcript NM_001283009.2 (MANE Select); coding-DNA position 1945, C replaced by T.
Protein change: p.Pro649Ser; replaces proline 649 with serine.
Molecular consequence: missense variant. On other transcripts: non-coding transcript variant (1).
Genome position (GRCh38, 1-based): chr20:63,689,568, C>T. VCF-style: chr20-63689568-C-T. GRCh37 (hg19) VCF-style: chr20-62320921-C-T.
Other names: c.1276C>T, p.Pro426Ser (NM_001283010.1); c.1945C>T, p.Pro649Ser (NM_016434.4); c.2017C>T, p.Pro673Ser (NM_032957.5); short protein forms P426S, P649S, P673S.
Identifiers: ClinVar variation 3791209 (VCV003791209.1).
Genomic context (GRCh38, chr20:63,689,568, plus strand): 5'-GAGGGGCTGGACTTCTCAGACACGAATGGCCGTGGTGTGATTGTCACGGGCCTCCCGTAC[C>T]CCCCACGCATGGACCCCCGGGTTGTCCTCAAGATGCAGTTCCTGGATGAGATGAAGGGCC-3'
Protein context (NP_001269938.1, residues 639-659): RGVIVTGLPY[Pro649Ser]PRMDPRVVLK